The following is an entry in ClinVar:

ClinVar aggregate classification (germline): Conflicting classifications of pathogenicity. Review status: criteria provided, conflicting classifications (1 of 4 stars). 2 submissions from 2 submitters: Uncertain significance (1); Likely benign (1). Last evaluated 2026-04-26.

Conditions:
Megalencephaly-polymicrogyria-postaxial polydactyly-hydrocephalus syndrome. Also called: MEG-PMG-MEGACC SYNDROME; MPPH Syndrome. Identifiers: Orphanet 83473, MedGen C1863924, MONDO:0019375.
Megalencephaly-polymicrogyria-polydactyly-hydrocephalus syndrome 1 (MPPH1). Also called: MEGALENCEPHALY, MEGA CORPUS CALLOSUM, AND COMPLETE LACK OF MOTOR DEVELOPMENT; MEGALENCEPHALY, POLYMICROGYRIA, MEGA CORPUS CALLOSUM SYNDROME. Identifiers: Orphanet 83473, MedGen C4012727, MONDO:0011313, OMIM 603387.

Allele frequency attached by ClinVar (database versions not stated): gnomAD 0.00001; gnomAD exomes 0.00001; TOPMed 0.00006.

Submissions (2):

Clinical Genomics Laboratory, Washington University in St. Louis
Classification: Uncertain significance for Megalencephaly-polymicrogyria-polydactyly-hydrocephalus syndrome 1. Last evaluated: 2026-04-26. Review status: criteria provided, single submitter. Criteria: ACMG Guidelines, 2015. Collection method: clinical testing. Allele origin: germline.
Comment: A PIK3R2 c.672C>T (p.Phe224=) variant was identified at a heterozygous allelic fraction of 50.5%, a frequency which may be consistent with it being of germline origin. This variant, to our knowledge, has not been reported in the medical literature. It has been reported in the ClinVar database as a germline likely benign variant by one submitter (Variation ID: 1112155). It is only observed in 4/1,320,868 alleles in the general population (gnomAD v4.1.1), indicating it is not a common variant. Computational predictors are uncertain as to the impact of this variant on PIK3R2 function. Due to limited information, and based on ACMG/AMP guidelines for variant interpretation (Richards S et al., PMID: 25741868), the clinical significance of this variant is uncertain at this time.

Labcorp Genetics (formerly Invitae), Labcorp
Classification: Likely benign for Megalencephaly-polymicrogyria-postaxial polydactyly-hydrocephalus syndrome. Last evaluated: 2025-12-08. Review status: criteria provided, single submitter. Criteria: Invitae Variant Classification Sherloc (09022015). Collection method: clinical testing. Allele origin: germline.

NM_005027.4(PIK3R2):c.672C>T (p.Phe224=)

Genes: PIK3R2 (phosphoinositide-3-kinase regulatory subunit 2; plus strand), LOC130063979 (ATAC-STARR-seq lymphoblastoid silent region 10375; plus strand). Cytogenetic location: 19p13.11.
Variant type: single nucleotide variant.
Coding change: c.672C>T on transcript NM_005027.4 (MANE Select); coding-DNA position 672, C replaced by T.
Protein change: p.Phe224=; no amino-acid change (phenylalanine 224 retained).
Molecular consequence: synonymous variant. On other transcripts: non-coding transcript variant (1).
Genome position (GRCh38, 1-based): chr19:18,161,352, C>T. VCF-style: chr19-18161352-C-T. GRCh37 (hg19) VCF-style: chr19-18272162-C-T.
Identifiers: ClinVar variation 1112155 (VCV001112155.10), dbSNP rs977691358, ClinGen allele CA306170139.